The following is an entry in ClinVar:

NM_001388067.1(MIPOL1):c.936+8T>C

Gene: MIPOL1 (mirror-image polydactyly 1; plus strand). Cytogenetic location: 14q13.3.
Variant type: single nucleotide variant.
Coding change: c.936+8T>C on transcript NM_001388067.1 (MANE Select); 8 bases into the intron after coding-DNA position 936, T replaced by C.
Molecular consequence: intron variant.
Genome position (GRCh38, 1-based): chr14:37,369,632, T>C. VCF-style: chr14-37369632-T-C. GRCh37 (hg19) VCF-style: chr14-37838837-T-C.
Other names: c.936+8T>C (NM_001195296.2, NM_001195297.2, NM_138731.7 and 3 more transcripts); c.843+8T>C (NM_001388071.1, NM_001388070.1, NM_001388072.1); c.736-53223T>C (NM_001388074.1, NM_001388075.1); c.829-53223T>C (NM_001388073.1).
Identifiers: ClinVar variation 3032434 (VCV003032434.2), dbSNP rs373469932, ClinGen allele CA7159844.

ClinVar aggregate classification (germline): Likely benign (0 of 4 stars; one submission).

Conditions:
MIPOL1-related disorder. Also called: MIPOL1-related condition.

Allele frequency attached by ClinVar (database versions not stated): ExAC 0.00011; TOPMed 0.00012; gnomAD exomes 0.00013; ESP Exome Variant Server 0.00015; gnomAD 0.00015.
gnomAD v4.1: 208 of 1,605,954 alleles (0.013%); highest among the groups gnomAD compares: Non-Finnish European, 0.016%; no homozygotes.

Submission:

PreventionGenetics, part of Exact Sciences
Classification: Likely benign for MIPOL1-related condition. Last evaluated: 2021-04-30. Review status: no assertion criteria provided. Collection method: clinical testing. Allele origin: germline.
Comment: This variant is classified as likely benign based on ACMG/AMP sequence variant interpretation guidelines (Richards et al. 2015 PMID: 25741868, with internal and published modifications).